The following is an entry in ClinVar:

ClinVar aggregate classification (germline): Likely pathogenic. Review status: criteria provided, single submitter (1 of 4 stars). 2 submissions from 2 submitters: Likely pathogenic (1). 1 of the submissions does not count toward it. Last evaluated 2023-07-24.

Conditions:
Developmental and epileptic encephalopathy 96. Identifiers: MedGen C5543446, MONDO:0023659, OMIM 619340.

Submissions (2):

Revvity Omics, Revvity
Classification: Likely pathogenic for Developmental and epileptic encephalopathy 96. Last evaluated: 2023-07-24. Review status: criteria provided, single submitter. Criteria: ACMG Guidelines, 2015. Collection method: clinical testing. Allele origin: germline.

Undiagnosed Diseases Network, NIH
Classification: Likely pathogenic for Developmental and epileptic encephalopathy 96. Last evaluated: 2026-06-01. Review status: no assertion criteria provided. Collection method: clinical testing. Allele origin: de novo. Inheritance: Autosomal dominant inheritance. Affected: yes. Observed: 1 variant allele, 1 heterozygote. Study: Undiagnosed Diseases Network (NIH), UDN. Not counted in ClinVar's aggregate classification.
Comment: Upgraded from uncertain significance to likely pathogenic based on the following ACMG criteria: PS2_moderate – de novo, consistent but not specific phenotype; PP3_strong – REVEL = 0.94 > 0.932; PM2_supporting – absent GnomAD, AllofUS.

NM_006178.4(NSF):c.1688C>G (p.Pro563Arg)

Genes: LRRC37A2 (leucine rich repeat containing 37 member A2), NSF (N-ethylmaleimide sensitive factor, vesicle fusing ATPase; plus strand). Cytogenetic location: 17q21.31.
Variant type: single nucleotide variant.
Coding change: c.1688C>G on transcript NM_006178.4 (MANE Select); coding-DNA position 1688, C replaced by G.
Protein change: p.Pro563Arg; replaces proline 563 with arginine.
Molecular consequence: missense variant. On other transcripts: non-coding transcript variant (1).
Genome position (GRCh38, 1-based): chr17:46,713,913, C>G. VCF-style: chr17-46713913-C-G. GRCh37 (hg19) VCF-style: chr17-44791279-C-G.
Other names: p.Pro563Arg; short protein forms P563R.
Identifiers: ClinVar variation 2434446 (VCV002434446.6), dbSNP rs2146266663, ClinGen allele CA399989199.